The following is an entry in ClinVar:

NM_001792.5(CDH2):c.1577G>A (p.Arg526Gln)

Gene: CDH2 (cadherin 2; minus strand). Cytogenetic location: 18q12.1.
Variant type: single nucleotide variant.
Coding change: c.1577G>A on transcript NM_001792.5 (MANE Select); coding-DNA position 1577, G replaced by A.
Protein change: p.Arg526Gln; replaces arginine 526 with glutamine.
Molecular consequence: missense variant.
Genome position (GRCh38, 1-based): chr18:27,990,118, C>T on the plus strand (G>A on the coding strand, the complement: CDH2 is on the minus strand). VCF-style: chr18-27990118-C-T. GRCh37 (hg19) VCF-style: chr18-25570082-C-T.
Other names: c.1484G>A, p.Arg495Gln (NM_001308176.2); short protein forms R526Q, R495Q.
Identifiers: ClinVar variation 1490992 (VCV001490992.6), dbSNP rs150313483, ClinGen allele CA8923361.

ClinVar aggregate classification (germline): Uncertain significance (1 of 4 stars; one submission).

Allele frequency attached by ClinVar (database versions not stated): ExAC 0.00002; gnomAD exomes 0.00002; ESP Exome Variant Server 0.00008; TOPMed 0.00008; gnomAD 0.00011.
gnomAD v4.1: 31 of 1,613,840 alleles (0.0019%); highest among the groups gnomAD compares: African/African-American, 0.029%; no homozygotes.

Submission:

Labcorp Genetics (formerly Invitae), Labcorp
Classification: Uncertain significance. Last evaluated: 2025-09-23. Review status: criteria provided, single submitter. Criteria: Invitae Variant Classification Sherloc (09022015). Collection method: clinical testing. Allele origin: germline.
Comment: This sequence change replaces arginine, which is basic and polar, with glutamine, which is neutral and polar, at codon 526 of the CDH2 protein (p.Arg526Gln). This variant is present in population databases (rs150313483, gnomAD 0.03%). This variant has not been reported in the literature in individuals affected with CDH2-related conditions. ClinVar contains an entry for this variant (Variation ID: 1490992). An algorithm developed to predict the effect of missense changes on protein structure and function (PolyPhen-2) suggests that this variant is likely to be tolerated. In summary, the available evidence is currently insufficient to determine the role of this variant in disease. Therefore, it has been classified as a Variant of Uncertain Significance.